The following is an entry in ClinVar:

NM_001887.4(CRYBB1):c.358G>A (p.Glu120Lys)

Genes: CRYBA4 (crystallin beta A4; plus strand), CRYBB1 (crystallin beta B1; minus strand). Cytogenetic location: 22q12.1.
Variant type: single nucleotide variant.
Coding change: c.358G>A on transcript NM_001887.4 (MANE Select); coding-DNA position 358, G replaced by A.
Protein change: p.Glu120Lys; replaces glutamic acid 120 with lysine.
Molecular consequence: missense variant.
Genome position (GRCh38, 1-based): chr22:26,607,963, C>T on the plus strand (G>A on the coding strand, the complement: CRYBB1 is on the minus strand). VCF-style: chr22-26607963-C-T. GRCh37 (hg19) VCF-style: chr22-27003927-C-T.
Other names: short protein forms E120K.
Identifiers: ClinVar variation 1372249 (VCV001372249.6), dbSNP rs762762177, ClinGen allele CA10165481.

ClinVar aggregate classification (germline): Uncertain significance (1 of 4 stars; one submission).

Conditions:
Cataract 17 multiple types. Also called: CATARACT 17, PULVERULENT; CATARACT 17, CONGENITAL NUCLEAR, AUTOSOMAL RECESSIVE. Identifiers: Orphanet 91492, MedGen C3888124, MONDO:0012688, OMIM 611544.

Allele frequency attached by ClinVar (database versions not stated): ExAC 0.00001; gnomAD 0.00001; gnomAD exomes 0.00001; TOPMed 0.00001.
gnomAD v4.1: 16 of 1,614,078 alleles (0.00099%); highest among the groups gnomAD compares: Admixed American, 0.005%; no homozygotes.

Submission:

Labcorp Genetics (formerly Invitae), Labcorp
Classification: Uncertain significance for Cataract 17 multiple types. Last evaluated: 2021-11-12. Review status: criteria provided, single submitter. Criteria: Invitae Variant Classification Sherloc (09022015). Collection method: clinical testing. Allele origin: germline.
Comment: This variant is present in population databases (rs762762177, gnomAD 0.003%). This sequence change replaces glutamic acid, which is acidic and polar, with lysine, which is basic and polar, at codon 120 of the CRYBB1 protein (p.Glu120Lys). This variant has not been reported in the literature in individuals affected with CRYBB1-related conditions. Algorithms developed to predict the effect of missense changes on protein structure and function are either unavailable or do not agree on the potential impact of this missense change (SIFT: "Deleterious"; PolyPhen-2: "Probably Damaging"; Align-GVGD: "Class C0"). In summary, the available evidence is currently insufficient to determine the role of this variant in disease. Therefore, it has been classified as a Variant of Uncertain Significance.